The following is an entry in ClinVar:

NM_206996.4(SPAG17):c.3540A>G (p.Lys1180=)

Gene: SPAG17 (sperm associated antigen 17; minus strand). Cytogenetic location: 1p12.
Variant type: single nucleotide variant.
Coding change: c.3540A>G on transcript NM_206996.4 (MANE Select); coding-DNA position 3540, A replaced by G.
Protein change: p.Lys1180=; no amino-acid change (lysine 1180 retained).
Molecular consequence: synonymous variant.
Genome position (GRCh38, 1-based): chr1:118,031,761, T>C on the plus strand (A>G on the coding strand, the complement: SPAG17 is on the minus strand). VCF-style: chr1-118031761-T-C. GRCh37 (hg19) VCF-style: chr1-118574384-T-C.
Identifiers: ClinVar variation 3041031 (VCV003041031.2), dbSNP rs1441857807, ClinGen allele CA419990655.

ClinVar aggregate classification (germline): Likely benign (0 of 4 stars; one submission).

Conditions:
SPAG17-related disorder. Also called: SPAG17-related condition.

Allele frequency attached by ClinVar (database versions not stated): gnomAD 0.00001; gnomAD exomes 0.00001.
gnomAD v4.1: 9 of 1,613,816 alleles (0.00056%); highest among the groups gnomAD compares: Non-Finnish European, 0.00068%; no homozygotes.

Submission:

PreventionGenetics, part of Exact Sciences
Classification: Likely benign for SPAG17-related condition. Last evaluated: 2019-09-18. Review status: no assertion criteria provided. Collection method: clinical testing. Allele origin: germline.
Comment: This variant is classified as likely benign based on ACMG/AMP sequence variant interpretation guidelines (Richards et al. 2015 PMID: 25741868, with internal and published modifications).